The following is an entry in ClinVar:

NM_001999.4(FBN2):c.5430T>C (p.Asp1810=)

Gene: FBN2 (fibrillin 2; minus strand). Cytogenetic location: 5q23.3.
Variant type: single nucleotide variant.
Coding change: c.5430T>C on transcript NM_001999.4 (MANE Select); coding-DNA position 5430, T replaced by C.
Protein change: p.Asp1810=; no amino-acid change (aspartic acid 1810 retained).
Molecular consequence: synonymous variant.
Genome position (GRCh38, 1-based): chr5:128,305,941, A>G on the plus strand (T>C on the coding strand, the complement: FBN2 is on the minus strand). VCF-style: chr5-128305941-A-G. GRCh37 (hg19) VCF-style: chr5-127641633-A-G.
Identifiers: ClinVar variation 1599682 (VCV001599682.32), dbSNP rs750681115, ClinGen allele CA3394694.
Genomic context (GRCh38, chr5:128,305,941, plus strand): 5'-ACTGCCAATCTGGTTAATGCACACACCATTTGCACAAATGCCTGGAATCTCTTTACATTC[A>G]TCAATGTCTGAAATGGAACAGATTTGGTCAAATATATGTTGTTCTGTTTAATATACTTAC-3'
Protein context (NP_001990.2, residues 1800-1820): DIHTGKAVDI[Asp1810=]ECKEIPGICA

ClinVar aggregate classification (germline): Benign/Likely benign. Review status: criteria provided, multiple submitters, no conflicts (2 of 4 stars). 4 submissions from 4 submitters: Benign (2); Likely benign (2). Last evaluated 2025-10-21.

Conditions:
Familial thoracic aortic aneurysm and aortic dissection (TAAD). Also called: Thoracic aortic aneurysms and dissections. Identifiers: Orphanet 91387, MedGen C4707243, MONDO:0019625.
Ehlers-Danlos syndrome (EDS). Identifiers: Orphanet 98249, MedGen C0013720, MONDO:0020066.
Congenital contractural arachnodactyly (CCA). Also called: Arthrogryposis, distal, type 9; BEALS SYNDROME; Beals-Hecht syndrome. Identifiers: Orphanet 115, MedGen C0220668, MONDO:0007363, OMIM 121050.

Allele frequency attached by ClinVar (database versions not stated): gnomAD 0.00001; gnomAD exomes 0.00009 and 0.00023; ExAC 0.00026.
gnomAD v4.1: 135 of 1,613,670 alleles (0.0084%); highest among the groups gnomAD compares: South Asian, 0.14%; 1 homozygote.

Submissions (4):

Labcorp Genetics (formerly Invitae), Labcorp
Classification: Benign for Congenital contractural arachnodactyly. Last evaluated: 2025-10-21. Review status: criteria provided, single submitter. Criteria: Invitae Variant Classification Sherloc (09022015). Collection method: clinical testing. Allele origin: germline.

CeGaT Center for Human Genetics Tuebingen
Classification: Likely benign. Last evaluated: 2024-05-01. Review status: criteria provided, single submitter. Criteria: CeGaT Center For Human Genetics Tuebingen Variant Classification Criteria Version 2. Collection method: clinical testing. Allele origin: germline. Affected: yes. Observed: 1 variant allele.
Comment: FBN2: BP4, BP7, BS1

Genome Diagnostics Laboratory, The Hospital for Sick Children
Classification: Likely benign for Ehlers-Danlos syndrome. Last evaluated: 2022-04-04. Review status: criteria provided, single submitter. Criteria: ACMG Guidelines, 2015. Collection method: clinical testing. Allele origin: germline.

Ambry Genetics
Classification: Benign for Familial thoracic aortic aneurysm and aortic dissection. Last evaluated: 2020-11-12. Review status: criteria provided, single submitter. Criteria: Ambry Variant Classification Scheme 2023. Collection method: clinical testing. Allele origin: germline.